The following is an entry in ClinVar:

NM_001943.5(DSG2):c.2050A>G (p.Arg684Gly)

Genes: DSG2-AS1 (DSG2 antisense RNA 1; minus strand), DSG2 (desmoglein 2; plus strand). Cytogenetic location: 18q12.1.
Variant type: single nucleotide variant.
Coding change: c.2050A>G on transcript NM_001943.5 (MANE Select); coding-DNA position 2050, A replaced by G.
Protein change: p.Arg684Gly; replaces arginine 684 with glycine.
Molecular consequence: missense variant.
Genome position (GRCh38, 1-based): chr18:31,542,568, A>G. VCF-style: chr18-31542568-A-G. GRCh37 (hg19) VCF-style: chr18-29122531-A-G.
Other names: short protein forms R684G.
Identifiers: ClinVar variation 2138143 (VCV002138143.4), dbSNP rs2510920618, ClinGen allele CA402141258.

ClinVar aggregate classification (germline): Uncertain significance (1 of 4 stars; one submission).

Conditions:
Arrhythmogenic right ventricular dysplasia 10. Also called: Arrhythmogenic right ventricular dysplasia/cardiomyopathy, type 10; Arrhythmogenic Right Ventricular Dysplasia/Cardiomyopathy10; ARRHYTHMOGENIC RIGHT VENTRICULAR DYSPLASIA, FAMILIAL, 10. Identifiers: MedGen C1857777, MONDO:0012434, OMIM 610193.

Submission:

Labcorp Genetics (formerly Invitae), Labcorp
Classification: Uncertain significance for Arrhythmogenic right ventricular dysplasia 10. Last evaluated: 2022-07-20. Review status: criteria provided, single submitter. Criteria: Invitae Variant Classification Sherloc (09022015). Collection method: clinical testing. Allele origin: germline.
Comment: In summary, the available evidence is currently insufficient to determine the role of this variant in disease. Therefore, it has been classified as a Variant of Uncertain Significance. Algorithms developed to predict the effect of missense changes on protein structure and function output the following: SIFT: "Tolerated"; PolyPhen-2: "Benign"; Align-GVGD: "Class C0". The glycine amino acid residue is found in multiple mammalian species, which suggests that this missense change does not adversely affect protein function. This missense change has been observed in individual(s) with clinical features of DSG2-related conditions (PMID: 29247119). This variant is not present in population databases (gnomAD no frequency). This sequence change replaces arginine, which is basic and polar, with glycine, which is neutral and non-polar, at codon 684 of the DSG2 protein (p.Arg684Gly).

Literature cited by the submitters: PubMed 29247119.